The following is an entry in ClinVar:

NM_003482.4(KMT2D):c.10045A>G (p.Met3349Val)

Gene: KMT2D (lysine methyltransferase 2D; minus strand). Cytogenetic location: 12q13.12.
Variant type: single nucleotide variant.
Coding change: c.10045A>G on transcript NM_003482.4 (MANE Select); coding-DNA position 10045, A replaced by G.
Protein change: p.Met3349Val; replaces methionine 3349 with valine.
Molecular consequence: missense variant.
Genome position (GRCh38, 1-based): chr12:49,037,311, T>C on the plus strand (A>G on the coding strand, the complement: KMT2D is on the minus strand). VCF-style: chr12-49037311-T-C. GRCh37 (hg19) VCF-style: chr12-49431094-T-C.
Other names: short protein forms M3349V.
Identifiers: ClinVar variation 94134 (VCV000094134.25), dbSNP rs80149580, ClinGen allele CA147653.
Genomic context (GRCh38, chr12:49,037,311, plus strand): 5'-GTACCAAGCCTGCCTGCCCTCCATGCTGCCCACTTAGCATATGCCCTTGATTGGACACCA[T>C]AGCCATGGATGGAGCCAGGCGTTGCTGGAGGGCATGAGCTGGTGGCTGGGTGGGCATCAG-3'
Protein context (NP_003473.3, residues 3339-3359): LQQRLAPSMA[Met3349Val]VSNQGHMLSG

ClinVar aggregate classification (germline): Benign. Review status: criteria provided, multiple submitters, no conflicts (2 of 4 stars). 7 submissions from 7 submitters: Benign (6). 1 of the submissions does not count toward it. Last evaluated 2026-06-01.

Conditions:
Kabuki syndrome. Also called: NIIKAWA-KUROKI SYNDROME; Kabuki make-up syndrome. Identifiers: Orphanet 2322, MedGen C0796004, MONDO:0016512.

Allele frequency attached by ClinVar (database versions not stated): gnomAD 0.00083 and 0.00119; ESP Exome Variant Server 0.00039; TOPMed 0.00170; gnomAD exomes 0.00280 and 0.00111; 1000 Genomes Project 0.00599; ExAC 0.00289; 1000 Genomes Project 30x 0.00625.
gnomAD v4.1: 1,814 of 1,613,238 alleles (0.11%); highest among the groups gnomAD compares: East Asian, 3.7%; 26 homozygotes.

Submissions (7):

CeGaT Center for Human Genetics Tuebingen
Classification: Benign. Last evaluated: 2026-06-01. Review status: criteria provided, single submitter. Criteria: CeGaT Center For Human Genetics Tuebingen Variant Classification Criteria Version 2. Collection method: clinical testing. Allele origin: germline. Affected: yes. Observed: 1 variant allele.
Comment: KMT2D: BS1, BS2

Labcorp Genetics (formerly Invitae), Labcorp
Classification: Benign for Kabuki syndrome. Last evaluated: 2026-01-22. Review status: criteria provided, single submitter. Criteria: Invitae Variant Classification Sherloc (09022015). Collection method: clinical testing. Allele origin: germline.

GeneDx
Classification: Benign. Last evaluated: 2020-10-13. Review status: criteria provided, single submitter. Criteria: GeneDx Variant Classification Process June 2021. Collection method: clinical testing. Allele origin: germline. Affected: yes.
Comment: This variant is associated with the following publications: (PMID: 30459467)

Genetic Services Laboratory, University of Chicago
Classification: Benign. Last evaluated: 2018-08-31. Review status: criteria provided, single submitter. Criteria: ACMG Guidelines, 2015. Collection method: clinical testing. Allele origin: germline. Affected: no.

Eurofins Ntd Llc (ga)
Classification: Benign. Last evaluated: 2014-07-23. Review status: criteria provided, single submitter. Criteria: EGL Classification Definitions 2015. Collection method: clinical testing. Allele origin: germline. Observed: 2 variant alleles, 2 heterozygotes.

Breakthrough Genomics
Classification: Benign. Review status: criteria provided, single submitter. Criteria: ACMG Guidelines, 2015. Collection method: not provided. Allele origin: germline. Inheritance: Autosomal dominant inheritance. Affected: yes.

ITMI
No classification provided. Condition: AllHighlyPenetrant. Last evaluated: 2013-09-19. Review status: no classification provided. Collection method: reference population. Allele origin: germline. Not counted in ClinVar's aggregate classification.
Comment: Please see associated publication for description of ethnicities

Literature cited by the submitters: PubMed 24728327 (cited by ITMI).